The following is an entry in ClinVar:

ClinVar aggregate classification (germline): Uncertain significance (1 of 4 stars; one submission).

Conditions:
Hypertrophic cardiomyopathy. Also called: HYPERTROPHIC MYOCARDIOPATHY. Identifiers: Orphanet 217569, MedGen C0007194, MeSH D002312, MONDO:0005045, HP:0001639.

Submission:

Labcorp Genetics (formerly Invitae), Labcorp
Classification: Uncertain significance for Hypertrophic cardiomyopathy. Last evaluated: 2025-02-05. Review status: criteria provided, single submitter. Criteria: Invitae Variant Classification Sherloc (09022015). Collection method: clinical testing. Allele origin: germline.
Comment: This sequence change replaces lysine, which is basic and polar, with asparagine, which is neutral and polar, at codon 1279 of the MYH7 protein (p.Lys1279Asn). This variant is not present in population databases (gnomAD no frequency). This variant has not been reported in the literature in individuals affected with MYH7-related conditions. ClinVar contains an entry for this variant (Variation ID: 1508968). Invitae Evidence Modeling of protein sequence and biophysical properties (such as structural, functional, and spatial information, amino acid conservation, physicochemical variation, residue mobility, and thermodynamic stability) indicates that this missense variant is expected to disrupt MYH7 protein function with a positive predictive value of 80%. In summary, the available evidence is currently insufficient to determine the role of this variant in disease. Therefore, it has been classified as a Variant of Uncertain Significance.

NM_000257.4(MYH7):c.3837G>C (p.Lys1279Asn)

Gene: MYH7 (myosin heavy chain 7; minus strand). Cytogenetic location: 14q11.2.
Variant type: single nucleotide variant.
Coding change: c.3837G>C on transcript NM_000257.4 (MANE Select); coding-DNA position 3837, G replaced by C.
Protein change: p.Lys1279Asn; replaces lysine 1279 with asparagine.
Molecular consequence: missense variant.
Genome position (GRCh38, 1-based): chr14:23,419,499, C>G on the plus strand (G>C on the coding strand, the complement: MYH7 is on the minus strand). VCF-style: chr14-23419499-C-G. GRCh37 (hg19) VCF-style: chr14-23888708-C-G.
Other names: short protein forms K1279N.
Identifiers: ClinVar variation 1508968 (VCV001508968.6), dbSNP rs2138652210, ClinGen allele CA389041925.